The following is an entry in ClinVar:

NM_012156.2(EPB41L1):c.1978G>C (p.Asp660His)

Gene: EPB41L1 (erythrocyte membrane protein band 4.1 like 1; plus strand). Cytogenetic location: 20q11.23.
Variant type: single nucleotide variant.
Coding change: c.1978G>C on transcript NM_012156.2 (MANE Select); coding-DNA position 1978, G replaced by C.
Protein change: p.Asp660His; replaces aspartic acid 660 with histidine.
Molecular consequence: missense variant. On other transcripts: intron variant (1).
Genome position (GRCh38, 1-based): chr20:36,209,797, G>C. VCF-style: chr20-36209797-G-C. GRCh37 (hg19) VCF-style: chr20-34797719-G-C.
Other names: c.1978G>C, p.Asp660His (NM_001258329.1); c.1756G>C, p.Asp586His (NM_001258331.2, NM_177996.2); c.1540-2475G>C (NM_001258330.1); short protein forms D660H, D586H.
Identifiers: ClinVar variation 2284046 (VCV002284046.28), dbSNP rs200358974, ClinGen allele CA9840136.
Genomic context (GRCh38, chr20:36,209,797, plus strand): 5'-CTGCCTGAGCTCGACCGGGACAAAAGCGACTCGGACACTGAGGGCCTGCTGTTCTCCCGG[G>C]ATCTCAACAAGGGGGCCCCCAGCCAGGATGATGAGTCTGGGGGCATTGAGGACAGCCCGG-3'
Protein context (NP_036288.2, residues 650-670): SDTEGLLFSR[Asp660His]LNKGAPSQDD

ClinVar aggregate classification (germline): Conflicting classifications of pathogenicity. Review status: criteria provided, conflicting classifications (1 of 4 stars). 3 submissions from 3 submitters: Uncertain significance (1); Likely benign (2). Last evaluated 2024-10-09.

Allele frequency attached by ClinVar (database versions not stated): ExAC 0.00002; gnomAD 0.00003; gnomAD exomes 0.00004; TOPMed 0.00006; 1000 Genomes Project 30x 0.00016; 1000 Genomes Project 0.00020.
gnomAD v4.1: 70 of 1,613,986 alleles (0.0043%); highest among the groups gnomAD compares: Middle Eastern, 0.017%; no homozygotes.

Submissions (3):

Ambry Genetics
Classification: Uncertain significance. Last evaluated: 2024-10-09. Review status: criteria provided, single submitter. Criteria: Ambry Variant Classification Scheme 2023. Collection method: clinical testing. Allele origin: germline.

Blueprint Genetics
Classification: Likely benign. Last evaluated: 2024-08-12. Review status: criteria provided, single submitter. Criteria: ACMG Guidelines, 2015. Collection method: clinical testing. Allele origin: germline.

CeGaT Center for Human Genetics Tuebingen
Classification: Likely benign. Last evaluated: 2022-07-01. Review status: criteria provided, single submitter. Criteria: CeGaT Center For Human Genetics Tuebingen Variant Classification Criteria Version 2. Collection method: clinical testing. Allele origin: germline. Affected: yes. Observed: 1 variant allele.
Comment: EPB41L1: BP4